The following is an entry in ClinVar:

NM_001042492.3(NF1):c.5438T>C (p.Met1813Thr)

Gene: NF1 (neurofibromin 1; plus strand). Cytogenetic location: 17q11.2.
Variant type: single nucleotide variant.
Coding change: c.5438T>C on transcript NM_001042492.3 (MANE Select); coding-DNA position 5438, T replaced by C.
Protein change: p.Met1813Thr; replaces methionine 1813 with threonine.
Molecular consequence: missense variant.
Genome position (GRCh38, 1-based): chr17:31,327,668, T>C. VCF-style: chr17-31327668-T-C. GRCh37 (hg19) VCF-style: chr17-29654686-T-C.
Other names: c.5375T>C, p.Met1792Thr (NM_000267.4); short protein forms M1792T, M1813T.
Identifiers: ClinVar variation 1747120 (VCV001747120.3), dbSNP rs2151541358, ClinGen allele CA399009439.

ClinVar aggregate classification (germline): Uncertain significance (1 of 4 stars; one submission).

Conditions:
Cardiovascular phenotype. Identifiers: MedGen CN230736.
Hereditary cancer-predisposing syndrome. Also called: Hereditary Cancer Syndrome; Neoplastic Syndromes, Hereditary; Tumor predisposition; Hereditary neoplastic syndrome. Identifiers: Orphanet 140162, MedGen C0027672, MeSH D009386, MONDO:0015356.

Submission:

Ambry Genetics
Classification: Uncertain significance for Cardiovascular phenotype; Hereditary cancer-predisposing syndrome. Last evaluated: 2025-02-26. Review status: criteria provided, single submitter. Criteria: Ambry Variant Classification Scheme 2023. Collection method: clinical testing. Allele origin: germline.
Comment: The p.M1792T variant (also known as c.5375T>C), located in coding exon 37 of the NF1 gene, results from a T to C substitution at nucleotide position 5375. The methionine at codon 1792 is replaced by threonine, an amino acid with similar properties. This amino acid position is highly conserved in available vertebrate species. In addition, this alteration is predicted to be deleterious by in silico analysis. Based on the available evidence, the clinical significance of this variant remains unclear.